The following is an entry in ClinVar:

NM_004006.3(DMD):c.2101G>T (p.Glu701Ter)

Gene: DMD (dystrophin; minus strand). Cytogenetic location: Xp21.1.
Variant type: single nucleotide variant.
Coding change: c.2101G>T on transcript NM_004006.3 (MANE Select); coding-DNA position 2101, G replaced by T.
Protein change: p.Glu701Ter; replaces glutamic acid 701 with a stop codon.
Molecular consequence: nonsense.
Genome position (GRCh38, 1-based): chrX:32,545,226, C>A on the plus strand (G>T on the coding strand, the complement: DMD is on the minus strand). VCF-style: chrX-32545226-C-A. GRCh37 (hg19) VCF-style: chrX-32563343-C-A.
Other names: c.2077G>T, p.Glu693Ter (NM_000109.4); c.2089G>T, p.Glu697Ter (NM_004009.3); c.1732G>T, p.Glu578Ter (NM_004010.3); short protein forms E701*, E697*, E578*, E693*.
Identifiers: ClinVar variation 439606 (VCV000439606.9), dbSNP rs1556780711, ClinGen allele CA412667880.

ClinVar aggregate classification (germline): Pathogenic. Review status: criteria provided, multiple submitters, no conflicts (2 of 4 stars). 2 submissions from 2 submitters: Pathogenic (2). Last evaluated 2024-05-08.

Conditions:
Progressive muscular dystrophy. Identifiers: Orphanet 206644, MedGen C4551827, MONDO:0016106.

Submissions (2):

Myriad Genetics, Inc.
Classification: Pathogenic for Progressive muscular dystrophy. Last evaluated: 2024-05-08. Review status: criteria provided, single submitter. Criteria: Myriad Autosomal Dominant, Autosomal Recessive and X-Linked Classification Criteria (2023). Collection method: clinical testing. Allele origin: unknown.
Comment: NM_004006.2(DMD):c.2101G>T(E701*) is expected to be pathogenic in the context of dystrophinopathy (including Duchenne/Becker muscular dystrophy). This variant is predicted to lead to an abnormal or absent protein product due to the creation of a premature termination codon in DMD, a gene where loss-of-function variants are known to be pathogenic. Please note: this variant was assessed in the context of healthy population screening.

ARUP Laboratories, Molecular Genetics and Genomics, ARUP Laboratories
Classification: Pathogenic. Last evaluated: 2016-08-29. Review status: criteria provided, single submitter. Criteria: ARUP Molecular Germline Variant Investigation Process. Collection method: clinical testing. Allele origin: germline.